The following is an entry in ClinVar:

NM_000301.5(PLG):c.368C>T (p.Thr123Ile)

Gene: PLG (plasminogen; plus strand). Cytogenetic location: 6q26.
Variant type: single nucleotide variant.
Coding change: c.368C>T on transcript NM_000301.5 (MANE Select); coding-DNA position 368, C replaced by T.
Protein change: p.Thr123Ile; replaces threonine 123 with isoleucine.
Molecular consequence: missense variant.
Genome position (GRCh38, 1-based): chr6:160,711,152, C>T. VCF-style: chr6-160711152-C-T. GRCh37 (hg19) VCF-style: chr6-161132184-C-T.
Other names: c.368C>T, p.Thr123Ile (NM_001168338.1); short protein forms T123I.
Identifiers: ClinVar variation 1163000 (VCV001163000.9), dbSNP rs370856655, ClinGen allele CA4087409.
Genomic context (GRCh38, chr6:160,711,152, plus strand): 5'-GCAAGACTGGGAATGGAAAGAACTACAGAGGGACGATGTCCAAAACAAAAAATGGCATCA[C>T]CTGTCAAAAATGGAGTTCCACTTCTCCCCACAGACCTAGGTAAGACATTCCCTTTCATCT-3'
Protein context (NP_000292.1, residues 113-133): GTMSKTKNGI[Thr123Ile]CQKWSSTSPH

ClinVar aggregate classification (germline): Uncertain significance. Review status: criteria provided, multiple submitters, no conflicts (2 of 4 stars). 3 submissions from 3 submitters: Uncertain significance (3). Last evaluated 2024-11-25.

Conditions:
Plasminogen deficiency, type I. Also called: Hypoplasminogenemia; Type 1 plasminogen deficiency. Identifiers: Orphanet 722, MedGen C1968804, MONDO:0009009, OMIM 217090.
Angioedema, hereditary, 4. Identifiers: MedGen C5543503, MONDO:0025712, OMIM 619360.

Allele frequency attached by ClinVar (database versions not stated): ExAC 0.00002; gnomAD 0.00004; ESP Exome Variant Server 0.00008.
gnomAD v4.1: 55 of 1,612,208 alleles (0.0034%); highest among the groups gnomAD compares: Admixed American, 0.01%; no homozygotes.

Submissions (3):

Labcorp Genetics (formerly Invitae), Labcorp
Classification: Uncertain significance. Last evaluated: 2024-11-25. Review status: criteria provided, single submitter. Criteria: Invitae Variant Classification Sherloc (09022015). Collection method: clinical testing. Allele origin: germline.
Comment: This sequence change replaces threonine, which is neutral and polar, with isoleucine, which is neutral and non-polar, at codon 123 of the PLG protein (p.Thr123Ile). This variant is present in population databases (rs370856655, gnomAD 0.006%). This variant has not been reported in the literature in individuals affected with PLG-related conditions. ClinVar contains an entry for this variant (Variation ID: 1163000). Invitae Evidence Modeling of protein sequence and biophysical properties (such as structural, functional, and spatial information, amino acid conservation, physicochemical variation, residue mobility, and thermodynamic stability) indicates that this missense variant is not expected to disrupt PLG protein function with a negative predictive value of 95%. In summary, the available evidence is currently insufficient to determine the role of this variant in disease. Therefore, it has been classified as a Variant of Uncertain Significance.

Fulgent Genetics
Classification: Uncertain significance for Plasminogen deficiency, type I; Angioedema, hereditary, 4. Last evaluated: 2024-05-25. Review status: criteria provided, single submitter. Criteria: ACMG Guidelines, 2015. Collection method: clinical testing. Allele origin: germline.

Mayo Clinic Laboratories, Mayo Clinic
Classification: Uncertain significance. Last evaluated: 2019-06-03. Review status: criteria provided, single submitter. Criteria: ACMG Guidelines, 2015. Collection method: clinical testing. Allele origin: germline. Observed: 1 variant allele.